The following is an entry in ClinVar:

ClinVar aggregate classification (germline): Uncertain significance (1 of 4 stars; one submission).

Submission:

GeneDx
Classification: Uncertain significance. Last evaluated: 2026-03-11. Review status: criteria provided, single submitter. Criteria: GeneDx Variant Classification Process June 2021. Collection method: clinical testing. Allele origin: germline.
Comment: Not observed at significant frequency in large population cohorts (gnomAD); In silico analysis supports that this missense variant has a deleterious effect on protein structure/function; Has not been previously published as pathogenic or benign to our knowledge

NM_201599.3(ZMYM3):c.2206C>T (p.Arg736Cys)

Gene: ZMYM3 (zinc finger MYM-type containing 3; minus strand). Cytogenetic location: Xq13.1.
Variant type: single nucleotide variant.
Coding change: c.2206C>T on transcript NM_201599.3 (MANE Select); coding-DNA position 2206, C replaced by T.
Protein change: p.Arg736Cys; replaces arginine 736 with cysteine.
Molecular consequence: missense variant.
Genome position (GRCh38, 1-based): chrX:71,247,453, G>A on the plus strand (C>T on the coding strand, the complement: ZMYM3 is on the minus strand). VCF-style: chrX-71247453-G-A. GRCh37 (hg19) VCF-style: chrX-70467303-G-A.
Other names: c.2206C>T, p.Arg736Cys (NM_001171162.1, NM_005096.3); short protein forms R736C.
Identifiers: ClinVar variation 5008126 (VCV005008126.1).